The following is an entry in ClinVar:

ClinVar aggregate classification (germline): Uncertain significance. Review status: criteria provided, multiple submitters, no conflicts (2 of 4 stars). 2 submissions from 2 submitters: Uncertain significance (2). Last evaluated 2025-08-13.

Conditions:
Inborn genetic diseases. Identifiers: MedGen C0950123, MeSH D030342.

Allele frequency attached by ClinVar (database versions not stated): gnomAD 0.00001; ExAC 0.00002; TOPMed 0.00002; ESP Exome Variant Server 0.00008.

Submissions (2):

Ambry Genetics
Classification: Uncertain significance for Inborn genetic diseases. Last evaluated: 2025-08-13. Review status: criteria provided, single submitter. Criteria: Ambry Variant Classification Scheme 2023. Collection method: clinical testing. Allele origin: germline.

GeneDx
Classification: Uncertain significance. Last evaluated: 2022-07-08. Review status: criteria provided, single submitter. Criteria: GeneDx Variant Classification Process June 2021. Collection method: clinical testing. Allele origin: germline. Affected: yes.
Comment: Not observed at significant frequency in large population cohorts (gnomAD); In silico analysis supports that this missense variant does not alter protein structure/function; Has not been previously published as pathogenic or benign to our knowledge

NM_014727.3(KMT2B):c.4476G>T (p.Gln1492His)

Gene: KMT2B (lysine methyltransferase 2B; plus strand). Cytogenetic location: 19q13.12.
Variant type: single nucleotide variant.
Coding change: c.4476G>T on transcript NM_014727.3 (MANE Select); coding-DNA position 4476, G replaced by T.
Protein change: p.Gln1492His; replaces glutamine 1492 with histidine.
Molecular consequence: missense variant.
Genome position (GRCh38, 1-based): chr19:35,727,964, G>T. VCF-style: chr19-35727964-G-T. GRCh37 (hg19) VCF-style: chr19-36218865-G-T.
Other names: c.4476G>T (NM_014727.1); short protein forms Q1492H.
Identifiers: ClinVar variation 1810443 (VCV001810443.2), dbSNP rs370466290, ClinGen allele CA9385104.
Genomic context (GRCh38, chr19:35,727,964, plus strand): 5'-GGGCATCCTCATGCGGCACTCGGAGGAGGGAGAGACCCCGGACCGCCGGGCTGGAGGCCA[G>T]ATGAAGGGGCTCCTGCTGAAGGTGAGCTCTTCCGGGGATGCTTGTGGGGTGGGGGAGTGG-3'
Protein context (NP_055542.1, residues 1482-1502): GETPDRRAGG[Gln1492His]MKGLLLKLLE